The following is an entry in ClinVar:

ClinVar aggregate classification (germline): Uncertain significance (1 of 4 stars; one submission).

Allele frequency attached by ClinVar (database versions not stated): ExAC 0.00001; gnomAD 0.00001; gnomAD exomes 0.00001.
gnomAD v4.1: 6 of 1,613,900 alleles (0.00037%); no homozygotes.

Submission:

Labcorp Genetics (formerly Invitae), Labcorp
Classification: Uncertain significance. Last evaluated: 2022-03-05. Review status: criteria provided, single submitter. Criteria: Invitae Variant Classification Sherloc (09022015). Collection method: clinical testing. Allele origin: germline.
Comment: In summary, the available evidence is currently insufficient to determine the role of this variant in disease. Therefore, it has been classified as a Variant of Uncertain Significance. Algorithms developed to predict the effect of missense changes on protein structure and function are either unavailable or do not agree on the potential impact of this missense change (SIFT: "Deleterious"; PolyPhen-2: "Probably Damaging"; Align-GVGD: "Class C0"). This variant has not been reported in the literature in individuals affected with PDE6C-related conditions. This variant is present in population databases (rs776725979, gnomAD 0.004%). This sequence change replaces serine, which is neutral and polar, with asparagine, which is neutral and polar, at codon 346 of the PDE6C protein (p.Ser346Asn).

NM_006204.4(PDE6C):c.1037G>A (p.Ser346Asn)

Gene: PDE6C (phosphodiesterase 6C; plus strand). Cytogenetic location: 10q23.33.
Variant type: single nucleotide variant.
Coding change: c.1037G>A on transcript NM_006204.4 (MANE Select); coding-DNA position 1037, G replaced by A.
Protein change: p.Ser346Asn; replaces serine 346 with asparagine.
Molecular consequence: missense variant.
Genome position (GRCh38, 1-based): chr10:93,626,837, G>A. VCF-style: chr10-93626837-G-A. GRCh37 (hg19) VCF-style: chr10-95386594-G-A.
Other names: short protein forms S346N.
Identifiers: ClinVar variation 2107082 (VCV002107082.4), dbSNP rs776725979, ClinGen allele CA5610036.